The following is an entry in ClinVar:

ClinVar aggregate classification (germline): Benign. Review status: criteria provided, multiple submitters, no conflicts (2 of 4 stars). 2 submissions from 2 submitters: Benign (2). Last evaluated 2019-03-29.

Conditions:
Autosomal recessive nonsyndromic hearing loss 4 (DFNB4). Also called: DEAFNESS, AUTOSOMAL RECESSIVE 4, WITH ENLARGED VESTIBULAR AQUEDUCT, DIGENIC; Deafness, autosomal recessive 4; Nonsyndromic enlarged vestibular aqueduct (NSEVA); Deafness, autosomal recessive 4, with enlarged vestibular aqueduct; NEUROSENSORY NONSYNDROMIC RECESSIVE DEAFNESS 4; Enlarged vestibular aqueduct, digenic. Identifiers: Orphanet 90636, MedGen C3538946, MONDO:0010933, OMIM 600791.

Allele frequency attached by ClinVar (database versions not stated): TOPMed 0.29435; 1000 Genomes Project 30x 0.35462; 1000 Genomes Project 0.35523.
gnomAD v4.1: 172,583 of 791,022 alleles (22%); highest among the groups gnomAD compares: African/African-American, 52%; 23,562 homozygotes.

Submissions (2):

GeneDx
Classification: Benign. Last evaluated: 2019-03-29. Review status: criteria provided, single submitter. Criteria: GeneDx Variant Classification Process June 2021. Collection method: clinical testing. Allele origin: germline. Affected: yes.

Illumina Laboratory Services, Illumina
Classification: Benign for Autosomal recessive nonsyndromic hearing loss 4. Last evaluated: 2018-01-13. Review status: criteria provided, single submitter. Criteria: ICSL Variant Classification Criteria 13 December 2019. Collection method: clinical testing. Allele origin: germline.
Comment: This variant was observed in the ICSL laboratory as part of a predisposition screen in an ostensibly healthy population. It had not been previously curated by ICSL or reported in the Human Gene Mutation Database (HGMD: prior to June 1st, 2018), and was therefore a candidate for classification through an automated scoring system. Utilizing variant allele frequency, disease prevalence and penetrance estimates, and inheritance mode, an automated score was calculated to assess if this variant is too frequent to cause the disease. Based on the score and internal cut-off values, a variant classified as benign is not then subjected to further curation. The score for this variant resulted in a classification of benign for this disease.

NM_012188.5(FOXI1):c.*119C>A

Gene: FOXI1 (forkhead box I1; plus strand). Cytogenetic location: 5q35.1.
Variant type: single nucleotide variant.
Coding change: c.*119C>A on transcript NM_012188.5 (MANE Select); 119 bases downstream of the stop codon, C replaced by A.
Molecular consequence: 3 prime UTR variant.
Genome position (GRCh38, 1-based): chr5:170,108,730, C>A. VCF-style: chr5-170108730-C-A. GRCh37 (hg19) VCF-style: chr5-169535734-C-A.
Other names: c.*119C>A (NM_144769.4).
Identifiers: ClinVar variation 352713 (VCV000352713.8), dbSNP rs6873124, ClinGen allele CA10623972.
Genomic context (GRCh38, chr5:170,108,730, plus strand): 5'-CCATGCCAGCCCCACGGTGGTCCATGACTGCGGAACTGCCCAGACATAAGCAGGAGCCTC[C>A]GAGGAATCCACCCTCTTTCTAGAACACTGGTTAAGGCTTCTGTTTATCACACATAGGCCC-3'